The following is an entry in ClinVar:

ClinVar aggregate classification (germline): Uncertain significance (1 of 4 stars; one submission).

Conditions:
Mitochondrial complex II deficiency, nuclear type 1. Also called: SUCCINATE CoQ REDUCTASE DEFICIENCY. Identifiers: Orphanet 3208, MedGen C5700310, MONDO:0100294, OMIM 252011.
Pheochromocytoma/paraganglioma syndrome 5. Also called: Paragangliomas 5; SDHA-Related Hereditary Paraganglioma-Pheochromocytoma Syndrome. Identifiers: Orphanet 29072, MedGen C3279992, MONDO:0013602, OMIM 614165.

Submission:

Labcorp Genetics (formerly Invitae), Labcorp
Classification: Uncertain significance for Pheochromocytoma/paraganglioma syndrome 5; Mitochondrial complex II deficiency, nuclear type 1. Last evaluated: 2024-03-17. Review status: criteria provided, single submitter. Criteria: Invitae Variant Classification Sherloc (09022015). Collection method: clinical testing. Allele origin: germline.
Comment: This sequence change replaces glutamic acid, which is acidic and polar, with alanine, which is neutral and non-polar, at codon 350 of the SDHA protein (p.Glu350Ala). This variant is not present in population databases (gnomAD no frequency). This variant has not been reported in the literature in individuals affected with SDHA-related conditions. Advanced modeling of protein sequence and biophysical properties (such as structural, functional, and spatial information, amino acid conservation, physicochemical variation, residue mobility, and thermodynamic stability) has been performed at Invitae for this missense variant, however the output from this modeling did not meet the statistical confidence thresholds required to predict the impact of this variant on SDHA protein function. In summary, the available evidence is currently insufficient to determine the role of this variant in disease. Therefore, it has been classified as a Variant of Uncertain Significance.

NM_004168.4(SDHA):c.1049A>C (p.Glu350Ala)

Gene: SDHA (succinate dehydrogenase complex flavoprotein subunit A; plus strand). Cytogenetic location: 5p15.33.
Variant type: single nucleotide variant.
Coding change: c.1049A>C on transcript NM_004168.4 (MANE Select); coding-DNA position 1049, A replaced by C.
Protein change: p.Glu350Ala; replaces glutamic acid 350 with alanine.
Molecular consequence: missense variant.
Genome position (GRCh38, 1-based): chr5:233,630, A>C. VCF-style: chr5-233630-A-C. GRCh37 (hg19) VCF-style: chr5-233745-A-C.
Other names: c.905A>C, p.Glu302Ala (NM_001294332.2); c.1049A>C, p.Glu350Ala (NM_001330758.2); short protein forms E302A, E350A.
Identifiers: ClinVar variation 3754195 (VCV003754195.2).